The following is an entry in ClinVar:

NM_005902.4(SMAD3):c.608-7C>T

Gene: SMAD3 (SMAD family member 3; plus strand). Cytogenetic location: 15q22.33.
Variant type: single nucleotide variant.
Coding change: c.608-7C>T on transcript NM_005902.4 (MANE Select); 7 bases into the intron before coding-DNA position 608, C replaced by T.
Molecular consequence: intron variant.
Genome position (GRCh38, 1-based): chr15:67,170,547, C>T. VCF-style: chr15-67170547-C-T. GRCh37 (hg19) VCF-style: chr15-67462885-C-T.
Other names: c.293-7C>T (NM_001145102.2); c.476-7C>T (NM_001145103.2); c.23-7C>T (NM_001145104.2).
Identifiers: ClinVar variation 2057677 (VCV002057677.5), dbSNP rs2505239533, ClinGen allele CA2580089876.
Genomic context (GRCh38, chr15:67,170,547, plus strand): 5'-GTTTAGTAACTTGGCTCTCCAGGCCAAGAATCTTTTGTGAAGTCTCACAACTTGTCTCAC[C>T]TCGCAGGTTCTCCAAACCTATCCCCGAATCCGATGTCCCCAGCACATAATAACTTGGGTG-3'

ClinVar aggregate classification (germline): Likely benign. Review status: criteria provided, multiple submitters, no conflicts (2 of 4 stars). 2 submissions from 2 submitters: Likely benign (2). Last evaluated 2023-03-09.

Conditions:
Aneurysm-osteoarthritis syndrome. Also called: SMAD3-Related Loeys-Dietz Syndrome; ANEURYSMS-OSTEOARTHRITIS SYNDROME; Loeys-Dietz syndrome, type 1C; LOEYS-DIETZ SYNDROME WITH OSTEOARTHRITIS. Identifiers: Orphanet 284984, MedGen C3151087, MONDO:0013426, OMIM 613795.
Familial thoracic aortic aneurysm and aortic dissection (TAAD). Also called: Thoracic aortic aneurysms and dissections. Identifiers: Orphanet 91387, MedGen C4707243, MONDO:0019625.

Submissions (2):

All of Us Research Program, National Institutes of Health
Classification: Likely benign for Aneurysm-osteoarthritis syndrome. Last evaluated: 2023-03-09. Review status: criteria provided, single submitter. Criteria: ACMG Guidelines, 2015. Collection method: clinical testing. Allele origin: germline. Inheritance: Autosomal dominant inheritance. Observed: 1 variant allele, 1 heterozygote.
Comment: This study involves interpretation of variants in research participants for the purpose of population health screening. Participant phenotype was not available at the time of variant classification. Additional details can be found in publication PMID: 35346344, PMCID: PMC8962531

Labcorp Genetics (formerly Invitae), Labcorp
Classification: Likely benign for Familial thoracic aortic aneurysm and aortic dissection. Last evaluated: 2022-06-25. Review status: criteria provided, single submitter. Criteria: Invitae Variant Classification Sherloc (09022015). Collection method: clinical testing. Allele origin: germline.